The following is an entry in ClinVar:

ClinVar aggregate classification (germline): Uncertain significance (1 of 4 stars; one submission).

Conditions:
Familial intrahepatic cholestasis. Identifiers: Orphanet 284385, MedGen CN296401, MONDO:0017290.

Submission:

Genomenon, Inc
Classification: Uncertain significance for Familial intrahepatic cholestasis. Last evaluated: 2026-04-14. Review status: criteria provided, single submitter. Criteria: Genomenon Sequence Variant Interpretation Standards - Updated. Collection method: curation. Allele origin: germline. Affected: yes.
Comment: ABCB11 c.477+6T>A is an intronic variant located in the donor splice region of intron 6. This variant has been observed in at least one proband with an ABCB11-related disorder (PMID:32808743). It is absent or not present at a significant frequency in gnomAD. In silico models predict that this variant is possibly or probably damaging. In conclusion, we classify ABCB11 c.477+6T>A as a variant of uncertain significance.

Literature cited by the submitters: PubMed 32808743.

NM_003742.4(ABCB11):c.477+6T>A

Gene: ABCB11 (ATP binding cassette subfamily B member 11; minus strand). Cytogenetic location: 2q31.1.
Variant type: single nucleotide variant.
Coding change: c.477+6T>A on transcript NM_003742.4 (MANE Select); 6 bases into the intron after coding-DNA position 477, T replaced by A.
Molecular consequence: intron variant.
Genome position (GRCh38, 1-based): chr2:168,996,629, A>T on the plus strand (T>A on the coding strand, the complement: ABCB11 is on the minus strand). VCF-style: chr2-168996629-A-T. GRCh37 (hg19) VCF-style: chr2-169853139-A-T.
Identifiers: ClinVar variation 4846716 (VCV004846716.1).
Genomic context (GRCh38, chr2:168,996,629, plus strand): 5'-TGCATCTCATTGTAGTGTCTTTGAGGTCAGATATTGATCTATAAATTATACGGAGGAGCT[A>T]CTAACTTGAATATATCCTGTGATAAGTACTGCGACAGCAATTCCAGCATAGTAACTGGCA-3'